The following is an entry in ClinVar:

ClinVar aggregate classification (germline): Pathogenic (1 of 4 stars; one submission).

Conditions:
Marfan syndrome (MFS). Also called: FBN1-Related Marfan Syndrome; MARFAN SYNDROME, TYPE I; Marfan syndrome type 1; Marfan's syndrome; Marfan syndrome, classic. Identifiers: Orphanet 284963, Orphanet 558, MedGen C0024796, MONDO:0007947, OMIM 154700.
Familial thoracic aortic aneurysm and aortic dissection (TAAD). Also called: Thoracic aortic aneurysms and dissections. Identifiers: Orphanet 91387, MedGen C4707243, MONDO:0019625.

Submission:

Labcorp Genetics (formerly Invitae), Labcorp
Classification: Pathogenic for Marfan syndrome; Familial thoracic aortic aneurysm and aortic dissection. Last evaluated: 2025-03-04. Review status: criteria provided, single submitter. Criteria: Invitae Variant Classification Sherloc (09022015). Collection method: clinical testing. Allele origin: germline.
Comment: This sequence change creates a premature translational stop signal (p.Arg1530Profs*23) in the FBN1 gene. It is expected to result in an absent or disrupted protein product. Loss-of-function variants in FBN1 are known to be pathogenic (PMID: 17657824, 19293843). This variant is not present in population databases (gnomAD no frequency). This variant has not been reported in the literature in individuals affected with FBN1-related conditions. For these reasons, this variant has been classified as Pathogenic.

Literature cited by the submitters: PubMed 17657824; PubMed 19293843.

NM_000138.5(FBN1):c.4588dup (p.Arg1530fs)

Gene: FBN1 (fibrillin 1; minus strand). Cytogenetic location: 15q21.1.
Variant type: Duplication.
Coding change: c.4588dup on transcript NM_000138.5 (MANE Select); coding-DNA position 4588, one base duplicated (C; older notation c.4588dupC).
Protein change: p.Arg1530fs; shifts the reading frame from arginine 1530.
Molecular consequence: frameshift variant.
Genome position (GRCh38, 1-based): chr15:48,468,097, G duplicated on the plus strand (C on the coding strand, the reverse complement: FBN1 is on the minus strand); the first of 3 consecutive G bases (chr15:48,468,097-48,468,099); duplicating any one gives the same sequence. VCF-style (leftmost placement, unchanged base first): chr15-48468096-C-CG. GRCh37 (hg19) VCF-style: chr15-48760293-C-CG.
Other names: c.4588dup, p.Arg1530fs (NM_001406716.1); short protein forms R1530fs.
Identifiers: ClinVar variation 4784330 (VCV004784330.1).
Genomic context (GRCh38, chr15:48,468,096, plus strand): 5'-CTGCAGGCTGTATCTCCATTGTCTCCTCGAGGTCGAATATCCAAATAGCAATTTCCAGAG[C>CG]GGGTATCTATTTACCATATACAAACACAAAAGCATCAGGCAGAATCTTTCTACTGGGGTT-3'